The following is an entry in ClinVar:

ClinVar aggregate classification (germline): Likely pathogenic (1 of 4 stars; one submission).

Conditions:
Familial cancer of breast. Also called: BREAST CANCER, FAMILIAL; hereditary breast carcinoma; Hereditary breast cancer. Identifiers: Orphanet 227535, MedGen C0346153, MONDO:0016419, OMIM 114480. Disease mechanism: loss of function.

Submission:

Myriad Genetics, Inc.
Classification: Likely pathogenic for Familial cancer of breast. Last evaluated: 2023-06-28. Review status: criteria provided, single submitter. Criteria: Myriad Autosomal Dominant, Autosomal Recessive and X-Linked Classification Criteria (2023). Collection method: clinical testing. Allele origin: unknown.
Comment: This variant is considered likely pathogenic. This variant occurs within a consensus splice junction and is predicted to result in abnormal mRNA splicing of either an out-of-frame exon or an in-frame exon necessary for protein stability and/or normal function.

NM_007194.4(CHEK2):c.1259+2T>A

Gene: CHEK2 (checkpoint kinase 2; minus strand). Cytogenetic location: 22q12.1.
Variant type: single nucleotide variant.
Coding change: c.1259+2T>A on transcript NM_007194.4 (MANE Select); the canonical splice donor site of the intron after coding-DNA position 1259, T replaced by A.
Molecular consequence: splice donor variant.
Genome position (GRCh38, 1-based): chr22:28,695,708, A>T on the plus strand (T>A on the coding strand, the complement: CHEK2 is on the minus strand). VCF-style: chr22-28695708-A-T. GRCh37 (hg19) VCF-style: chr22-29091696-A-T.
Other names: c.596+2T>A (NM_001437942.1, NM_001257387.3); c.1058+2T>A (NM_001349956.3); c.1172+2T>A (NM_145862.3); c.1265+2T>A (NM_001438295.1); c.1352+2T>A (NM_001438293.1); c.1301+2T>A (NM_001438294.1); c.1388+2T>A (NM_001005735.3).
Identifiers: ClinVar variation 2584153 (VCV002584153.2), dbSNP rs1555913631, ClinGen allele CA411096474.